The following is an entry in ClinVar:

ClinVar aggregate classification (germline): Likely pathogenic (1 of 4 stars; one submission).

Conditions:
Cardiomyopathy, dilated, 2D. Identifiers: MedGen C5543535, MONDO:0030300, OMIM 619371.

gnomAD v4.1: 1 of 1,592,266 alleles (0.000063%); highest among the groups gnomAD compares: Non-Finnish European, 0.000085%; no homozygotes.

Submission:

First Genomix Gene Laboratory, Genetic Diagnostics Department
Classification: Likely pathogenic for Cardiomyopathy, dilated, 2D. Last evaluated: 2025-01-28. Review status: criteria provided, single submitter. Criteria: ACMG Guidelines, 2015. Collection method: clinical testing. Allele origin: germline. Inheritance: Autosomal recessive inheritance. Affected: no. Observed: 1 variant allele.

NM_005061.3(RPL3L):c.523C>T (p.Gln175Ter)

Gene: RPL3L (ribosomal protein L3 like; minus strand). Cytogenetic location: 16p13.3.
Variant type: single nucleotide variant.
Coding change: c.523C>T on transcript NM_005061.3 (MANE Select); coding-DNA position 523, C replaced by T.
Protein change: p.Gln175Ter; replaces glutamine 175 with a stop codon.
Molecular consequence: nonsense.
Genome position (GRCh38, 1-based): chr16:1,947,359, G>A on the plus strand (C>T on the coding strand, the complement: RPL3L is on the minus strand). VCF-style: chr16-1947359-G-A. GRCh37 (hg19) VCF-style: chr16-1997360-G-A.
Other names: short protein forms Q175*.
Identifiers: ClinVar variation 4845737 (VCV004845737.1).
Genomic context (GRCh38, chr16:1,947,359, plus strand): 5'-CCACCTTCTCGGCCACCGTGCCACCGTTCAGCTGGATCTCCATGATGTGGGCCTTCTTCT[G>A]CCGGAAGGGCAGCAGTTTCATCTGCAGGACATGGCCGGAGGTCACGCCACGGCCCACGGG-3'